The following is an entry in ClinVar:

NM_032119.4(ADGRV1):c.11217_11301delinsGATTGTGA (p.Thr3740fs)

Gene: ADGRV1 (adhesion G protein-coupled receptor V1; plus strand). Cytogenetic location: 5q14.3.
Variant type: Indel.
Coding change: c.11217_11301delinsGATTGTGA on transcript NM_032119.4 (MANE Select); coding-DNA positions 11217 to 11301, the reference bases replaced by GATTGTGA.
Protein change: p.Thr3740fs; shifts the reading frame from threonine 3740.
Molecular consequence: frameshift variant. On other transcripts: non-coding transcript variant (1).
Genome position (GRCh38, 1-based): chr5:90,753,669-90,753,753, 85 bases replaced. GRCh37 (hg19): chr5:90,049,486-90,049,570.
Other names: short protein forms T3740fs.
Identifiers: ClinVar variation 1455838 (VCV001455838.6), dbSNP rs2149964988, ClinGen allele CA2573140004.

ClinVar aggregate classification (germline): Pathogenic (1 of 4 stars; one submission).

Submission:

Labcorp Genetics (formerly Invitae), Labcorp
Classification: Pathogenic. Last evaluated: 2022-07-06. Review status: criteria provided, single submitter. Criteria: Invitae Variant Classification Sherloc (09022015). Collection method: clinical testing. Allele origin: germline.
Comment: For these reasons, this variant has been classified as Pathogenic. ClinVar contains an entry for this variant (Variation ID: 1455838). This variant has not been reported in the literature in individuals affected with ADGRV1-related conditions. This variant is not present in population databases (gnomAD no frequency). This sequence change creates a premature translational stop signal (p.Thr3740Ilefs*6) in the ADGRV1 gene. It is expected to result in an absent or disrupted protein product. Loss-of-function variants in ADGRV1 are known to be pathogenic (PMID: 19357117, 22135276, 22147658, 26226137, 30718709, 31047384, 32467589).

Literature cited by the submitters: PubMed 19357117; PubMed 22135276; PubMed 22147658; PubMed 26226137; PubMed 30718709; PubMed 31047384; PubMed 32467589.